The following is an entry in ClinVar:

NM_005419.4(STAT2):c.2116C>T (p.Leu706=)

Gene: STAT2 (signal transducer and activator of transcription 2; minus strand). Cytogenetic location: 12q13.3.
Variant type: single nucleotide variant.
Coding change: c.2116C>T on transcript NM_005419.4 (MANE Select); coding-DNA position 2116, C replaced by T.
Protein change: p.Leu706=; no amino-acid change (leucine 706 retained).
Molecular consequence: synonymous variant.
Genome position (GRCh38, 1-based): chr12:56,344,122, G>A on the plus strand (C>T on the coding strand, the complement: STAT2 is on the minus strand). VCF-style: chr12-56344122-G-A. GRCh37 (hg19) VCF-style: chr12-56737906-G-A.
Other names: c.2083C>T, p.Leu695= (NM_001385110.1); c.2017C>T, p.Leu673= (NM_001385111.1); c.2116C>T, p.Leu706= (NM_001385113.1); c.2095C>T, p.Leu699= (NM_001385114.1); c.2074C>T, p.Leu692= (NM_001385115.1); c.2104C>T, p.Leu702= (NM_198332.2); c.2116C>T (NM_005419.3).
Identifiers: ClinVar variation 1094693 (VCV001094693.13), dbSNP rs144878478, ClinGen allele CA6630303.
Genomic context (GRCh38, chr12:56,344,122, plus strand): 5'-CTAGTTCCAGCTCTAATGACTCCAGCTCTGGCTCTGGCTTAAGCTCCAGCGGTTGTTGCA[G>A]TTCATCCACCTGTCTGGATACCCAAAGACAGACAAAGGGGCAGGGCTCAGTGGTTCAAAT-3'
Protein context (NP_005410.1, residues 696-716): IVVSNRQVDE[Leu706=]QQPLELKPEP

ClinVar aggregate classification (germline): Likely benign. Review status: criteria provided, multiple submitters, no conflicts (2 of 4 stars). 4 submissions from 4 submitters: Likely benign (3). 1 of the submissions does not count toward it. Last evaluated 2025-12-30.

Conditions:
Primary immunodeficiency with post-measles-mumps-rubella vaccine viral infection. Also called: Immunodeficiency 44. Identifiers: Orphanet 431166, MedGen C4225260, MONDO:0014715, OMIM 616636.
STAT2-related disorder. Also called: STAT2-related condition.

Allele frequency attached by ClinVar (database versions not stated): gnomAD exomes 0.00005 and 0.00016; ExAC 0.00041; gnomAD 0.00054 and 0.00058; 1000 Genomes Project 0.00060; ESP Exome Variant Server 0.00070; 1000 Genomes Project 30x 0.00078; TOPMed 0.00080.
gnomAD v4.1: 155 of 1,556,272 alleles (0.01%); highest among the groups gnomAD compares: African/African-American, 0.18%; no homozygotes.

Submissions (4):

Labcorp Genetics (formerly Invitae), Labcorp
Classification: Likely benign for Primary immunodeficiency with post-measles-mumps-rubella vaccine viral infection. Last evaluated: 2025-12-30. Review status: criteria provided, single submitter. Criteria: Invitae Variant Classification Sherloc (09022015). Collection method: clinical testing. Allele origin: germline.

Blueprint Genetics
Classification: Likely benign. Last evaluated: 2023-10-23. Review status: criteria provided, single submitter. Criteria: ACMG Guidelines, 2015. Collection method: clinical testing. Allele origin: germline.

Breakthrough Genomics
Classification: Likely benign. Review status: criteria provided, single submitter. Criteria: ACMG Guidelines, 2015. Collection method: not provided. Allele origin: germline. Inheritance: Autosomal recessive inheritance. Affected: yes.

PreventionGenetics, part of Exact Sciences
Classification: Likely benign for STAT2-related condition. Last evaluated: 2024-01-31. Review status: no assertion criteria provided. Collection method: clinical testing. Allele origin: germline. Not counted in ClinVar's aggregate classification.
Comment: This variant is classified as likely benign based on ACMG/AMP sequence variant interpretation guidelines (Richards et al. 2015 PMID: 25741868, with internal and published modifications).